The following is an entry in ClinVar:

ClinVar aggregate classification (germline): Uncertain significance (1 of 4 stars; one submission).

Conditions:
Sandhoff disease. Also called: Beta-hexosaminidase-beta-subunit deficiency; GM2 gangliosidosis, type 2; Total hexosaminidase deficiency; Sandhoff-Jatzkewitz-Pilz disease; GM2-GANGLIOSIDOSIS, TYPE II; HEXOSAMINIDASES A AND B DEFICIENCY. Identifiers: Orphanet 796, MedGen C0036161, MONDO:0010006, OMIM 268800.

Submission:

Myriad Genetics, Inc.
Classification: Uncertain significance for Sandhoff disease. Last evaluated: 2025-09-18. Review status: criteria provided, single submitter. Criteria: Myriad Autosomal Dominant, Autosomal Recessive and X-Linked Classification Criteria (2023). Collection method: clinical testing. Allele origin: unknown.
Comment: NM_000521.3(HEXB):c.1651_1669dup19(*557Lext*1) is a frameshift variant that results in protein elongation classified as a variant of uncertain significance in the context of Sandhoff disease. *557Lext*1 has not been observed in cases with relevant disease. Relevant functional assessments of this variant are not available in the literature. *557Lext*1 has been observed in referenced population frequency databases. In summary, there is insufficient evidence to classify NM_000521.3(HEXB):c.1651_1669dup19(*557Lext*1) as pathogenic or benign. Please note: this variant was assessed in the context of healthy population screening.

NM_000521.4(HEXB):c.1651_1669dup (p.Met556_Ter557insLeu)

Gene: HEXB (hexosaminidase subunit beta; plus strand). Cytogenetic location: 5q13.3.
Variant type: Duplication.
Coding change: c.1651_1669dup on transcript NM_000521.4 (MANE Select); coding-DNA positions 1651 to 1669, 19 bases duplicated (TGTAACCATGAGAACATGT).
Protein change: p.Met556_Ter557insLeu.
Molecular consequence: inframe insertion.
Genome position (GRCh38, 1-based): chr5:74,721,155-74,721,173, TGTAACCATGAGAACATGT duplicated; duplicating any 19 consecutive bases within chr5:74,721,154-74,721,173 gives the same sequence; the c. name uses the placement nearest the transcript's 3' end. VCF-style (leftmost placement, unchanged base first): chr5-74721153-A-ATTGTAACCATGAGAACATG. GRCh37 (hg19) VCF-style: chr5-74016978-A-ATTGTAACCATGAGAACATG.
Other names: c.976_994dup, p.Met331_Ter332insLeu (NM_001292004.2).
Identifiers: ClinVar variation 5003663 (VCV005003663.1).